The following is an entry in ClinVar:

NM_001195263.2(PDZD7):c.1982G>A (p.Arg661His)

Gene: PDZD7 (PDZ domain containing 7; minus strand). Cytogenetic location: 10q24.31.
Variant type: single nucleotide variant.
Coding change: c.1982G>A on transcript NM_001195263.2 (MANE Select); coding-DNA position 1982, G replaced by A.
Protein change: p.Arg661His; replaces arginine 661 with histidine.
Molecular consequence: missense variant.
Genome position (GRCh38, 1-based): chr10:101,011,713, C>T on the plus strand (G>A on the coding strand, the complement: PDZD7 is on the minus strand). VCF-style: chr10-101011713-C-T. GRCh37 (hg19) VCF-style: chr10-102771470-C-T.
Other names: short protein forms R661H.
Identifiers: ClinVar variation 450334 (VCV000450334.2), dbSNP rs1394885704, ClinGen allele CA378225651.

ClinVar aggregate classification (germline): Uncertain significance (1 of 4 stars; one submission).

Allele frequency attached by ClinVar (database versions not stated): gnomAD exomes 0.00002.
gnomAD v4.1: 4 of 1,541,784 alleles (0.00026%); highest among the groups gnomAD compares: Admixed American, 0.0039%; no homozygotes.

Submission:

GeneDx
Classification: Uncertain significance. Last evaluated: 2017-07-12. Review status: criteria provided, single submitter. Criteria: GeneDx Variant Classification (06012015). Collection method: clinical testing. Allele origin: germline. Affected: yes.
Comment: The R661H variant in the PDZD7 gene has not been reported previously as a pathogenic variant, nor as a benign variant, to our knowledge. The R661H variant is not observed in large population cohorts (Lek et al., 2016; 1000 Genomes Consortium et al., 2015; Exome Variant Server). The R661H variant is a conservative amino acid substitution, which is not likely to impact secondary protein structure as these residues share similar properties. This substitution occurs at a position that is conserved across species. In silico analysis is inconsistent in its predictions as to whether or not the variant is damaging to the protein structure/function. We interpret R661H as a variant of uncertain significance.